The following is an entry in ClinVar:

NM_001206999.2(CIT):c.97-2A>T

Genes: CIT (citron rho-interacting serine/threonine kinase; minus strand), LOC126861657 (MED14-independent group 3 enhancer GRCh37_chr12:120306702-120307901; plus strand). Cytogenetic location: 12q24.23.
Variant type: single nucleotide variant.
Coding change: c.97-2A>T on transcript NM_001206999.2 (MANE Select); the canonical splice acceptor site of the intron before coding-DNA position 97, A replaced by T.
Molecular consequence: splice acceptor variant.
Genome position (GRCh38, 1-based): chr12:119,869,203, T>A on the plus strand (A>T on the coding strand, the complement: CIT is on the minus strand). VCF-style: chr12-119869203-T-A. GRCh37 (hg19) VCF-style: chr12-120307007-T-A.
Other names: c.97-2A>T (NM_007174.3).
Identifiers: ClinVar variation 3643863 (VCV003643863.2).

ClinVar aggregate classification (germline): Likely pathogenic (1 of 4 stars; one submission).

Submission:

Labcorp Genetics (formerly Invitae), Labcorp
Classification: Likely pathogenic. Last evaluated: 2025-10-01. Review status: criteria provided, single submitter. Criteria: Invitae Variant Classification Sherloc (09022015). Collection method: clinical testing. Allele origin: germline.
Comment: This sequence change affects an acceptor splice site in intron 2 of the CIT gene. It is expected to disrupt RNA splicing. Variants that disrupt the donor or acceptor splice site typically lead to a loss of protein function (PMID: 16199547), and loss-of-function variants in CIT are known to be pathogenic (PMID: 27453579). This variant is not present in population databases (gnomAD no frequency). This variant has not been reported in the literature in individuals affected with CIT-related conditions. ClinVar contains an entry for this variant (Variation ID: 3643863). Algorithms developed to predict the effect of sequence changes on RNA splicing suggest that this variant may disrupt the consensus splice site. In summary, the currently available evidence indicates that the variant is pathogenic, but additional data are needed to prove that conclusively. Therefore, this variant has been classified as Likely Pathogenic.

Literature cited by the submitters: PubMed 16199547; PubMed 27453579.